The following is an entry in ClinVar:

NM_000091.5(COL4A3):c.1289G>T (p.Gly430Val)

Genes: COL4A3 (collagen type IV alpha 3 chain; plus strand), MFF-DT (MFF divergent transcript; minus strand). Cytogenetic location: 2q36.3.
Variant type: single nucleotide variant.
Coding change: c.1289G>T on transcript NM_000091.5 (MANE Select); coding-DNA position 1289, G replaced by T.
Protein change: p.Gly430Val; replaces glycine 430 with valine.
Molecular consequence: missense variant.
Genome position (GRCh38, 1-based): chr2:227,263,918, G>T. VCF-style: chr2-227263918-G-T. GRCh37 (hg19) VCF-style: chr2-228128634-G-T.
Other names: p.Gly430Val; short protein forms G430V.
Identifiers: ClinVar variation 4853850 (VCV004853850.1).

ClinVar aggregate classification (germline): Likely pathogenic (1 of 4 stars; one submission).

Conditions:
Autosomal dominant Alport syndrome (ATS3A). Also called: ALPORT SYNDROME 3A, AUTOSOMAL DOMINANT; Alport syndrome dominant type; Renal failure and sensorineural hearing loss. Identifiers: Orphanet 63, Orphanet 88918, MedGen C5882663, MONDO:0007086, OMIM 104200.

Submission:

Centre de Génétique Humaine, Institut de Pathologie Et de Génétique
Classification: Likely pathogenic for Autosomal dominant Alport syndrome. Last evaluated: 2026-02-19. Review status: criteria provided, single submitter. Criteria: ACMG Guidelines, 2015. Collection method: clinical testing. Allele origin: germline. Inheritance: Autosomal dominant inheritance. Affected: yes. Observed: 1 variant allele, 1 heterozygote. Segregation with disease not observed.
Comment: This missense variant involves a highly conserved glycine located in a ‘Gly-X-Y’ motif in collagenous region, which is characteristic of the pathogenic variants identified in the COL4A3 gene (PM1,PP2). This variant is rare: absent in gnomAD v4.1.0 database (PM2); In silico analysis supports that this missense variant has a deleterious effect (PP3). Another missense variant affecting the same residue described as LP: c.1288G>A, p.(Gly430Arg), PMID: 36117978 (PM5)